The following is an entry in ClinVar:

NM_182914.3(SYNE2):c.4423A>G (p.Lys1475Glu)

Gene: SYNE2 (spectrin repeat containing nuclear envelope protein 2; plus strand). Cytogenetic location: 14q23.2.
Variant type: single nucleotide variant.
Coding change: c.4423A>G on transcript NM_182914.3 (MANE Select); coding-DNA position 4423, A replaced by G.
Protein change: p.Lys1475Glu; replaces lysine 1475 with glutamic acid.
Molecular consequence: missense variant.
Genome position (GRCh38, 1-based): chr14:64,007,068, A>G. VCF-style: chr14-64007068-A-G. GRCh37 (hg19) VCF-style: chr14-64473786-A-G.
Other names: c.4423A>G, p.Lys1475Glu (NM_015180.6); short protein forms K1475E.
Identifiers: ClinVar variation 448632 (VCV000448632.6), dbSNP rs761080544, ClinGen allele CA7220217.

ClinVar aggregate classification (germline): Conflicting classifications of pathogenicity. Review status: criteria provided, conflicting classifications (1 of 4 stars). 3 submissions from 3 submitters: Uncertain significance (2); Benign (1). Last evaluated 2018-03-12.

Conditions:
Emery-Dreifuss muscular dystrophy 5, autosomal dominant (EDMD5). Also called: EMERY-DREIFUSS MUSCULAR DYSTROPHY 5. Identifiers: Orphanet 261, MedGen C2751805, MONDO:0013072, OMIM 612999.

Allele frequency attached by ClinVar (database versions not stated): ExAC 0.00002; gnomAD 0.00003 and 0.00004; gnomAD exomes 0.00003 and 0.00005; TOPMed 0.00004.
gnomAD v4.1: 54 of 1,613,426 alleles (0.0033%); highest among the groups gnomAD compares: Non-Finnish European, 0.00034%; no homozygotes.

Submissions (3):

Illumina Laboratory Services, Illumina
Classification: Benign for Emery-Dreifuss muscular dystrophy 5, autosomal dominant. Last evaluated: 2018-03-12. Review status: criteria provided, single submitter. Criteria: ICSL Variant Classification Criteria 13 December 2019. Collection method: clinical testing. Allele origin: germline.
Comment: This variant was observed in the ICSL laboratory as part of a predisposition screen in an ostensibly healthy population. It had not been previously curated by ICSL or reported in the Human Gene Mutation Database (HGMD: prior to June 1st, 2018), and was therefore a candidate for classification through an automated scoring system. Utilizing variant allele frequency, disease prevalence and penetrance estimates, and inheritance mode, an automated score was calculated to assess if this variant is too frequent to cause the disease. Based on the score and internal cut-off values, a variant classified as benign is not then subjected to further curation. The score for this variant resulted in a classification of benign for this disease.

GeneDx
Classification: Uncertain significance. Last evaluated: 2017-08-24. Review status: criteria provided, single submitter. Criteria: GeneDx Variant Classification (06012015). Collection method: clinical testing. Allele origin: germline. Affected: yes.
Comment: The K1475E variant in the SYNE2 gene has not been reported previously as a pathogenic variant, nor as a benign variant, to our knowledge. The K1475E variant is observed in 3/66486 (0.0045%) alleles from individuals of non-Finnish European background, in the ExAC dataset (Lek et al., 2016). The K1475E variant is a non-conservative amino acid substitution, which is likely to impact secondary protein structure as these residues differ in polarity, charge, size and/or other properties. This substitution occurs at a position that is not conserved. In silico analysis is inconsistent in its predictions as to whether or not the variant is damaging to the protein structure/function. We interpret K1475E as a variant of uncertain significance.

Athena Diagnostics
Classification: Uncertain significance. Last evaluated: 2016-10-25. Review status: criteria provided, single submitter. Criteria: Athena Diagnostics Criteria. Collection method: clinical testing. Allele origin: germline.